The following is an entry in ClinVar:

ClinVar aggregate classification (germline): Uncertain significance (1 of 4 stars; one submission).

Submission:

Labcorp Genetics (formerly Invitae), Labcorp
Classification: Uncertain significance. Last evaluated: 2024-07-22. Review status: criteria provided, single submitter. Criteria: Invitae Variant Classification Sherloc (09022015). Collection method: clinical testing. Allele origin: germline.
Comment: This sequence change replaces lysine, which is basic and polar, with arginine, which is basic and polar, at codon 1192 of the BRD4 protein (p.Lys1192Arg). This variant is not present in population databases (gnomAD no frequency). This variant has not been reported in the literature in individuals affected with BRD4-related conditions. An algorithm developed to predict the effect of missense changes on protein structure and function (PolyPhen-2) suggests that this variant is likely to be tolerated. Algorithms developed to predict the effect of sequence changes on RNA splicing suggest that this variant may disrupt the consensus splice site. In summary, the available evidence is currently insufficient to determine the role of this variant in disease. Therefore, it has been classified as a Variant of Uncertain Significance.

NM_001379291.1(BRD4):c.3575A>G (p.Lys1192Arg)

Gene: BRD4 (bromodomain containing 4; minus strand). Cytogenetic location: 19p13.12.
Variant type: single nucleotide variant.
Coding change: c.3575A>G on transcript NM_001379291.1 (MANE Select); coding-DNA position 3575, A replaced by G.
Protein change: p.Lys1192Arg; replaces lysine 1192 with arginine.
Molecular consequence: missense variant.
Genome position (GRCh38, 1-based): chr19:15,239,393, T>C on the plus strand (A>G on the coding strand, the complement: BRD4 is on the minus strand). VCF-style: chr19-15239393-T-C. GRCh37 (hg19) VCF-style: chr19-15350204-T-C.
Other names: c.3575A>G, p.Lys1192Arg (NM_058243.3); short protein forms K1192R.
Identifiers: ClinVar variation 3660180 (VCV003660180.2).